The following is an entry in ClinVar:

NM_017617.5(NOTCH1):c.2443T>A (p.Cys815Ser)

Gene: NOTCH1 (notch receptor 1; minus strand). Cytogenetic location: 9q34.3.
Variant type: single nucleotide variant.
Coding change: c.2443T>A on transcript NM_017617.5 (MANE Select); coding-DNA position 2443, T replaced by A.
Protein change: p.Cys815Ser; replaces cysteine 815 with serine.
Molecular consequence: missense variant.
Genome position (GRCh38, 1-based): chr9:136,513,045, A>T on the plus strand (T>A on the coding strand, the complement: NOTCH1 is on the minus strand). VCF-style: chr9-136513045-A-T. GRCh37 (hg19) VCF-style: chr9-139407497-A-T.
Other names: c.2443T>A, p.Cys815Ser (LRG_1122t1); short protein forms C815S.
Identifiers: ClinVar variation 452777 (VCV000452777.2), dbSNP rs1176627299, ClinGen allele CA375556419.

ClinVar aggregate classification (germline): Uncertain significance (1 of 4 stars; one submission).

Allele frequency attached by ClinVar (database versions not stated): gnomAD exomes below 0.00001.
gnomAD v4.1: 1 of 1,574,308 alleles (0.000064%); highest among the groups gnomAD compares: Admixed American, 0.0018%; no homozygotes.

Submission:

GeneDx
Classification: Uncertain significance. Last evaluated: 2017-10-18. Review status: criteria provided, single submitter. Criteria: GeneDx Variant Classification (06012015). Collection method: clinical testing. Allele origin: germline. Affected: yes.
Comment: The C815S variant in the NOTCH1 gene has not been reported previously as a pathogenic variant, nor as a benign variant, to our knowledge. This variant is not observed at a significant frequency in large population cohorts (Lek et al., 2016). The C815S variant is a non-conservative amino acid substitution, which is likely to impact secondary protein structure as these residues differ in polarity, charge, size and/or other properties. In addition, this substitution occurs at a position that is conserved across species, and in silico analysis predicts this variant is probably damaging to the protein structure/function. We interpret C815S as a variant of uncertain significance.